The following is an entry in ClinVar:

NM_000426.4(LAMA2):c.2T>C (p.Met1Thr)

Gene: LAMA2 (laminin subunit alpha 2; plus strand). Cytogenetic location: 6q22.33.
Variant type: single nucleotide variant.
Coding change: c.2T>C on transcript NM_000426.4 (MANE Select); coding-DNA position 2, T replaced by C.
Protein change: p.Met1Thr; changes the start codon (methionine 1).
Molecular consequence: missense variant, initiator codon variant.
Genome position (GRCh38, 1-based): chr6:128,883,247, T>C. VCF-style: chr6-128883247-T-C. GRCh37 (hg19) VCF-style: chr6-129204392-T-C.
Other names: c.2T>C, p.Met1Thr (NM_001079823.2); short protein forms M1T.
Identifiers: ClinVar variation 477459 (VCV000477459.58), dbSNP rs374403765, ClinGen allele CA147234456.

ClinVar aggregate classification (germline): Pathogenic/Likely pathogenic. Review status: criteria provided, multiple submitters, no conflicts (2 of 4 stars). 7 submissions from 7 submitters: Pathogenic (3); Likely pathogenic (3). 1 of the submissions does not count toward it. Last evaluated 2026-01-16.

Conditions:
Muscular dystrophy, limb-girdle, autosomal recessive 23. Identifiers: Orphanet 565837, MedGen C4748327, MONDO:0029136, OMIM 618138.
Merosin deficient congenital muscular dystrophy (MDC1A). Also called: Congenital Muscular Dystrophy Type 1A (MDC1A); Congenital merosin-deficient muscular dystrophy 1A. Identifiers: Orphanet 258, MedGen C1263858, MONDO:0011925, OMIM 607855.
LAMA2-related muscular dystrophy (LAMA2-RD). Also called: Laminin alpha 2-related dystrophy. Identifiers: MedGen C5679788, MONDO:0100228.

Allele frequency attached by ClinVar (database versions not stated): gnomAD 0.00001; TOPMed 0.00002; ESP Exome Variant Server 0.00016.

Submissions (7):

Labcorp Genetics (formerly Invitae), Labcorp
Classification: Pathogenic for LAMA2-related muscular dystrophy. Last evaluated: 2026-01-16. Review status: criteria provided, single submitter. Criteria: Invitae Variant Classification Sherloc (09022015). Collection method: clinical testing. Allele origin: germline.
Comment: This sequence change affects the initiator codon of the LAMA2 mRNA. This change may impact translation initiation or efficiency. The next in-frame methionine is located at codon 65. This variant is not present in population databases (gnomAD no frequency). Disruption of the initiator codon has been observed in individual(s) with merosin-deficient muscular dystrophy (PMID: 2152033, 9674786). In at least one individual the data is consistent with being in trans (on the opposite chromosome) from a pathogenic variant. ClinVar contains an entry for this variant (Variation ID: 477459). For these reasons, this variant has been classified as Pathogenic.

GeneDx
Classification: Likely pathogenic. Last evaluated: 2024-12-03. Review status: criteria provided, single submitter. Criteria: GeneDx Variant Classification Process June 2021. Collection method: clinical testing. Allele origin: germline. Affected: yes.
Comment: Initiation codon variant in a gene for which loss of function is a known mechanism of disease; Not observed at significant frequency in large population cohorts (gnomAD); This variant is associated with the following publications: (PMID: 31589614, 9674786, 30055037, 11369186)

Women's Health and Genetics/Laboratory Corporation of America, LabCorp
Classification: Pathogenic for LAMA2-related muscular dystrophy. Last evaluated: 2023-06-01. Review status: criteria provided, single submitter. Criteria: LabCorp Variant Classification Summary - May 2015. Collection method: clinical testing. Allele origin: germline.
Comment: Variant summary: LAMA2 c.2T>C (p.Met1Thr) alters the initiation codon and is predicted to result either in absence of the protein or truncation of the encoded protein due to translation initiation at a downstream codon. Pathogenic variants are found upstream of the nearest alternative in-frame start codon (ClinVar). Four of four in-silico tools predict a damaging effect of the variant on protein function. The variant was absent in 153910 control chromosomes (gnomAD). c.2T>C has been reported in the literature in individuals affected with Laminin Alpha 2-Related Dystrophy (Pegoraro_1998, Hayashi_2001, Oliveira_2018), and some were reported as compound heterozygous with other likely pathogenic variants in trans. These data indicate that the variant is likely to be associated with disease. The following publications have been ascertained in the context of this evaluation (PMID: 11369186, 30055037, 9674786). Four submitters have provided clinical-significance assessments for this variant to ClinVar after 2014, and classified the variant as pathogenic/likely pathogenic. Based on the evidence outlined above, the variant was classified as pathogenic.

Department of Pathology and Laboratory Medicine, Sinai Health System
Classification: Likely pathogenic for Merosin deficient congenital muscular dystrophy; Muscular dystrophy, limb-girdle, autosomal recessive 23. Last evaluated: 2023-04-17. Review status: criteria provided, single submitter. Criteria: ACMG Guidelines, 2015. Collection method: research. Allele origin: germline.

Revvity Omics, Revvity
Classification: Likely pathogenic. Last evaluated: 2022-07-14. Review status: criteria provided, single submitter. Criteria: ACMG Guidelines, 2015. Collection method: clinical testing. Allele origin: germline.

CeGaT Center for Human Genetics Tuebingen
Classification: Pathogenic. Last evaluated: 2018-07-01. Review status: criteria provided, single submitter. Criteria: CeGaT Center For Human Genetics Tuebingen Variant Classification Criteria Version 2. Collection method: clinical testing. Allele origin: germline. Affected: yes. Observed: 1 variant allele.

Counsyl
Classification: Likely pathogenic for Merosin deficient congenital muscular dystrophy. Last evaluated: 2018-02-20. Review status: no assertion criteria provided. Collection method: clinical testing. Allele origin: unknown. Not counted in ClinVar's aggregate classification.

Literature cited by the submitters: PubMed 2152033 (cited by Labcorp Genetics (formerly Invitae), Labcorp); PubMed 9674786 (cited by 3 submitters); PubMed 30055037 (cited by Women's Health and Genetics/Laboratory Corporation of America, LabCorp); PubMed 11369186 (cited by Women's Health and Genetics/Laboratory Corporation of America, LabCorp).